The following is an entry in ClinVar:

ClinVar aggregate classification (germline): Uncertain significance. Review status: criteria provided, multiple submitters, no conflicts (2 of 4 stars). 5 submissions from 5 submitters: Uncertain significance (4). 1 of the submissions does not count toward it. Last evaluated 2023-04-11.

Conditions:
Inborn genetic diseases. Identifiers: MedGen C0950123, MeSH D030342.
Glycogen storage disease type III (GSD3). Also called: Cori disease; FORBES DISEASE. Identifiers: Orphanet 366, MedGen C0017922, MONDO:0009291, OMIM 232400.

Allele frequency attached by ClinVar (database versions not stated): gnomAD 0.00001; TOPMed 0.00002; ExAC 0.00004; gnomAD exomes 0.00008.
gnomAD v4.1: 25 of 1,613,802 alleles (0.0015%); highest among the groups gnomAD compares: Admixed American, 0.04%; no homozygotes.

Submissions (5):

Genome-Nilou Lab
Classification: Uncertain significance for Glycogen storage disease type III. Last evaluated: 2023-04-11. Review status: criteria provided, single submitter. Criteria: ACMG Guidelines, 2015. Collection method: clinical testing. Allele origin: germline. Affected: no.

Labcorp Genetics (formerly Invitae), Labcorp
Classification: Uncertain significance for Glycogen storage disease type III. Last evaluated: 2022-09-27. Review status: criteria provided, single submitter. Criteria: Invitae Variant Classification Sherloc (09022015). Collection method: clinical testing. Allele origin: germline.
Comment: This sequence change replaces glycine, which is neutral and non-polar, with serine, which is neutral and polar, at codon 659 of the AGL protein (p.Gly659Ser). This variant is present in population databases (rs773274876, gnomAD 0.05%). This variant has not been reported in the literature in individuals affected with AGL-related conditions. ClinVar contains an entry for this variant (Variation ID: 950117). Advanced modeling of protein sequence and biophysical properties (such as structural, functional, and spatial information, amino acid conservation, physicochemical variation, residue mobility, and thermodynamic stability) performed at Invitae indicates that this missense variant is expected to disrupt AGL protein function. In summary, the available evidence is currently insufficient to determine the role of this variant in disease. Therefore, it has been classified as a Variant of Uncertain Significance.

Ambry Genetics
Classification: Uncertain significance for Inborn genetic diseases. Last evaluated: 2022-01-03. Review status: criteria provided, single submitter. Criteria: Ambry Variant Classification Scheme 2023. Collection method: clinical testing. Allele origin: germline.

Fulgent Genetics
Classification: Uncertain significance for Glycogen storage disease type III. Last evaluated: 2021-10-17. Review status: criteria provided, single submitter. Criteria: ACMG Guidelines, 2015. Collection method: clinical testing. Allele origin: unknown.

Natera, Inc.
Classification: Uncertain significance for Glycogen storage disease type III. Last evaluated: 2020-12-01. Review status: no assertion criteria provided. Collection method: clinical testing. Allele origin: germline. Not counted in ClinVar's aggregate classification.

NM_000642.3(AGL):c.1975G>A (p.Gly659Ser)

Gene: AGL (amylo-alpha-1,6-glucosidase and 4-alpha-glucanotransferase; plus strand). Cytogenetic location: 1p21.2.
Variant type: single nucleotide variant.
Coding change: c.1975G>A on transcript NM_000642.3 (MANE Select); coding-DNA position 1975, G replaced by A.
Protein change: p.Gly659Ser; replaces glycine 659 with serine.
Molecular consequence: missense variant.
Genome position (GRCh38, 1-based): chr1:99,881,151, G>A. VCF-style: chr1-99881151-G-A. GRCh37 (hg19) VCF-style: chr1-100346707-G-A.
Other names: c.1975G>A, p.Gly659Ser (NM_000028.3, NM_000643.3, NM_000644.3 and 2 more transcripts); c.1927G>A, p.Gly643Ser (NM_000646.3); c.1774G>A, p.Gly592Ser (NM_001425327.1); c.1771G>A, p.Gly591Ser (NM_001425328.1, NM_001425329.1); c.1597G>A, p.Gly533Ser (NM_001425332.1); short protein forms G659S, G643S, G533S, G591S, G592S.
Identifiers: ClinVar variation 950117 (VCV000950117.11), dbSNP rs773274876, ClinGen allele CA966655.